The following is an entry in ClinVar:

ClinVar aggregate classification (germline): Uncertain significance (1 of 4 stars; one submission).

Allele frequency attached by ClinVar (database versions not stated): gnomAD exomes below 0.00001; gnomAD 0.00001; TOPMed 0.00001.
gnomAD v4.1: 3 of 1,551,760 alleles (0.00019%); highest among the groups gnomAD compares: Non-Finnish European, 0.00017%; no homozygotes.

Submission:

Labcorp Genetics (formerly Invitae), Labcorp
Classification: Uncertain significance. Last evaluated: 2020-07-15. Review status: criteria provided, single submitter. Criteria: Invitae Variant Classification Sherloc (09022015). Collection method: clinical testing. Allele origin: germline.
Comment: This sequence change replaces aspartic acid with glutamic acid at codon 664 of the LOXHD1 protein (p.Asp664Glu). The aspartic acid residue is moderately conserved and there is a small physicochemical difference between aspartic acid and glutamic acid. This variant is not present in population databases (ExAC no frequency). This variant has not been reported in the literature in individuals with LOXHD1-related disease. Algorithms developed to predict the effect of missense changes on protein structure and function are either unavailable or do not agree on the potential impact of this missense change (SIFT: "Deleterious"; PolyPhen-2: "Probably Damaging"; Align-GVGD: "Class C0"). In summary, the available evidence is currently insufficient to determine the role of this variant in disease. Therefore, it has been classified as a Variant of Uncertain Significance.

NM_001384474.1(LOXHD1):c.1992T>A (p.Asp664Glu)

Gene: LOXHD1 (lipoxygenase homology PLAT domains 1; minus strand). Cytogenetic location: 18q21.1.
Variant type: single nucleotide variant.
Coding change: c.1992T>A on transcript NM_001384474.1 (MANE Select); coding-DNA position 1992, T replaced by A.
Protein change: p.Asp664Glu; replaces aspartic acid 664 with glutamic acid.
Molecular consequence: missense variant.
Genome position (GRCh38, 1-based): chr18:46,572,141, A>T on the plus strand (T>A on the coding strand, the complement: LOXHD1 is on the minus strand). VCF-style: chr18-46572141-A-T. GRCh37 (hg19) VCF-style: chr18-44152104-A-T.
Other names: c.1992T>A, p.Asp664Glu (NM_144612.7); short protein forms D664E.
Identifiers: ClinVar variation 2139419 (VCV002139419.1), dbSNP rs1168914939, ClinGen allele CA402376452.